The following is an entry in ClinVar:

ClinVar aggregate classification (germline): Uncertain significance. Review status: criteria provided, multiple submitters, no conflicts (2 of 4 stars). 2 submissions from 2 submitters: Uncertain significance (2). Last evaluated 2024-12-16.

Conditions:
MHC class II deficiency. Also called: Bare lymphocyte syndrome 2; BLS, TYPE II. Identifiers: Orphanet 572, MedGen C5447452, MONDO:0008855.

Allele frequency attached by ClinVar (database versions not stated): TOPMed 0.00003.
gnomAD v4.1: 26 of 1,613,736 alleles (0.0016%); highest among the groups gnomAD compares: African/African-American, 0.016%; 1 homozygote.

Submissions (2):

Labcorp Genetics (formerly Invitae), Labcorp
Classification: Uncertain significance for MHC class II deficiency. Last evaluated: 2024-12-16. Review status: criteria provided, single submitter. Criteria: Invitae Variant Classification Sherloc (09022015). Collection method: clinical testing. Allele origin: germline.
Comment: This sequence change replaces proline, which is neutral and non-polar, with glutamine, which is neutral and polar, at codon 19 of the RFX5 protein (p.Pro19Gln). This variant is present in population databases (rs548049340, gnomAD 0.02%). This variant has not been reported in the literature in individuals affected with RFX5-related conditions. ClinVar contains an entry for this variant (Variation ID: 2140967). An algorithm developed to predict the effect of missense changes on protein structure and function outputs the following: PolyPhen-2: "Benign". The glutamine amino acid residue is found in multiple mammalian species, which suggests that this missense change does not adversely affect protein function. In summary, the available evidence is currently insufficient to determine the role of this variant in disease. Therefore, it has been classified as a Variant of Uncertain Significance.

Ambry Genetics
Classification: Uncertain significance. Last evaluated: 2023-09-25. Review status: criteria provided, single submitter. Criteria: Ambry Variant Classification Scheme 2023. Collection method: clinical testing. Allele origin: germline.

NM_001025603.2(RFX5):c.56C>A (p.Pro19Gln)

Gene: RFX5 (regulatory factor X5; minus strand). Cytogenetic location: 1q21.3.
Variant type: single nucleotide variant.
Coding change: c.56C>A on transcript NM_001025603.2 (MANE Select); coding-DNA position 56, C replaced by A.
Protein change: p.Pro19Gln; replaces proline 19 with glutamine.
Molecular consequence: missense variant.
Genome position (GRCh38, 1-based): chr1:151,346,265, G>T on the plus strand (C>A on the coding strand, the complement: RFX5 is on the minus strand). VCF-style: chr1-151346265-G-T. GRCh37 (hg19) VCF-style: chr1-151318741-G-T.
Other names: c.56C>A, p.Pro19Gln (NM_000449.4, NM_001379412.1, NM_001379413.1 and 7 more transcripts); short protein forms P19Q.
Identifiers: ClinVar variation 2140967 (VCV002140967.3), dbSNP rs548049340, ClinGen allele CA1089966.